The following is an entry in ClinVar:

ClinVar aggregate classification (germline): Uncertain significance (1 of 4 stars; one submission).

Conditions:
Inborn genetic diseases. Identifiers: MedGen C0950123, MeSH D030342.

Submission:

Ambry Genetics
Classification: Uncertain significance for Inborn genetic diseases. Last evaluated: 2025-05-06. Review status: criteria provided, single submitter. Criteria: Ambry Variant Classification Scheme 2023. Collection method: clinical testing. Allele origin: germline.
Comment: The p.L220R variant (also known as c.659T>G), located in coding exon 5 of the G6PC3 gene, results from a T to G substitution at nucleotide position 659. The leucine at codon 220 is replaced by arginine, an amino acid with dissimilar properties. This amino acid position is conserved. In addition, this alteration is predicted to be deleterious by in silico analysis. Based on the available evidence, the clinical significance of this variant remains unclear.

NM_138387.4(G6PC3):c.659T>G (p.Leu220Arg)

Gene: G6PC3 (glucose-6-phosphatase catalytic subunit 3; plus strand). Cytogenetic location: 17q21.31.
Variant type: single nucleotide variant.
Coding change: c.659T>G on transcript NM_138387.4 (MANE Select); coding-DNA position 659, T replaced by G.
Protein change: p.Leu220Arg; replaces leucine 220 with arginine.
Molecular consequence: missense variant. On other transcripts: synonymous variant (1).
Genome position (GRCh38, 1-based): chr17:44,075,433, T>G. VCF-style: chr17-44075433-T-G. GRCh37 (hg19) VCF-style: chr17-42152801-T-G.
Other names: c.540T>G, p.Thr180= (NM_001319945.2); c.314T>G, p.Leu105Arg (NM_001384165.1, NM_001384166.1, NM_001384167.1 and 1 more transcripts); short protein forms L220R, L105R.
Identifiers: ClinVar variation 4027596 (VCV004027596.1).